The following is an entry in ClinVar:

ClinVar aggregate classification (germline): Uncertain significance (1 of 4 stars; one submission).

Conditions:
Severe early-onset pulmonary alveolar proteinosis due to MARS deficiency. Also called: PULMONARY ALVEOLAR PROTEINOSIS, REUNION ISLAND; Interstitial lung and liver disease. Identifiers: Orphanet 440427, MedGen C4225400, MONDO:0014206, OMIM 615486.

gnomAD v4.1: 2 of 1,614,142 alleles (0.00012%); highest among the groups gnomAD compares: South Asian, 0.0011%; no homozygotes.

Submission:

Neuberg Centre For Genomic Medicine, NCGM
Classification: Uncertain significance for Severe early-onset pulmonary alveolar proteinosis due to MARS deficiency. Last evaluated: 2023-06-02. Review status: criteria provided, single submitter. Criteria: ACMG Guidelines, 2015. Collection method: clinical testing. Allele origin: germline. Inheritance: Autosomal recessive inheritance. Affected: yes.
Comment: The splice acceptor variant c.280-1G>A in MARS1 gene has not been reported previously as a pathogenic variant nor as a benign variant, to our knowledge. The c.280-1G>A variant is reported with 0.001% allele frequency in gnomAD Exomes. The variant is predicted to be damaging by SpliceAI Prediction. This variant has not been reported to the ClinVar database. Loss of function variants in MARS1 gene have not been previously reported to be disease causing. For these reasons, this variant has been classified as Uncertain Significance.

NM_004990.4(MARS1):c.280-1G>A

Gene: MARS1 (methionyl-tRNA synthetase 1; plus strand). Cytogenetic location: 12q13.3.
Variant type: single nucleotide variant.
Coding change: c.280-1G>A on transcript NM_004990.4 (MANE Select); the canonical splice acceptor site of the intron before coding-DNA position 280, G replaced by A.
Molecular consequence: splice acceptor variant.
Genome position (GRCh38, 1-based): chr12:57,489,423, G>A. VCF-style: chr12-57489423-G-A. GRCh37 (hg19) VCF-style: chr12-57883206-G-A.
Identifiers: ClinVar variation 3362295 (VCV003362295.3).